The following is an entry in ClinVar:

ClinVar aggregate classification (germline): Uncertain significance (1 of 4 stars; one submission).

Conditions:
SLC34A2-related disorder. Also called: SLC34A2-related condition.

Submission:

PreventionGenetics, part of Exact Sciences
Classification: Uncertain significance for SLC34A2-related condition. Last evaluated: 2026-06-25. Review status: criteria provided, single submitter. Criteria: ACMG Guidelines, 2015. Collection method: clinical testing. Allele origin: germline.
Comment: The SLC34A2 c.1046A>G variant is predicted to result in the amino acid substitution p.Lys349Arg. To our knowledge, this variant has not been reported in the literature or in a large population database (gnomAD), indicating this variant is rare. At this time, the clinical significance of this variant is uncertain due to the absence of conclusive functional and genetic evidence.

NM_006424.3(SLC34A2):c.1046A>G (p.Lys349Arg)

Gene: SLC34A2 (solute carrier family 34 member 2; plus strand). Cytogenetic location: 4p15.2.
Variant type: single nucleotide variant.
Coding change: c.1046A>G on transcript NM_006424.3 (MANE Select); coding-DNA position 1046, A replaced by G.
Protein change: p.Lys349Arg; replaces lysine 349 with arginine.
Molecular consequence: missense variant.
Genome position (GRCh38, 1-based): chr4:25,671,719, A>G. VCF-style: chr4-25671719-A-G. GRCh37 (hg19) VCF-style: chr4-25673341-A-G.
Other names: c.1043A>G, p.Lys348Arg (NM_001177998.2, NM_001177999.2); short protein forms K348R, K349R.
Identifiers: ClinVar variation 4998950 (VCV004998950.1).